The following is an entry in ClinVar:

ClinVar aggregate classification (germline): Uncertain significance (1 of 4 stars; one submission).

Conditions:
MEGF10-related myopathy (CMYO10A). Also called: Congenital myopathy 10A, severe variant. Identifiers: Orphanet 439212, MedGen C3280679, MONDO:0013731, OMIM 614399.

Allele frequency attached by ClinVar (database versions not stated): gnomAD 0.00001; gnomAD exomes below 0.00001; TOPMed 0.00001.

Submission:

Labcorp Genetics (formerly Invitae), Labcorp
Classification: Uncertain significance for MEGF10-related myopathy. Last evaluated: 2018-07-06. Review status: criteria provided, single submitter. Criteria: Invitae Variant Classification Sherloc (09022015). Collection method: clinical testing. Allele origin: germline.
Comment: In summary, the available evidence is currently insufficient to determine the role of this variant in disease. Therefore, it has been classified as a Variant of Uncertain Significance. Algorithms developed to predict the effect of missense changes on protein structure and function (SIFT, PolyPhen-2, Align-GVGD) all suggest that this variant is likely to be disruptive, but these predictions have not been confirmed by published functional studies and their clinical significance is uncertain. This sequence change replaces glycine with arginine at codon 228 of the MEGF10 protein (p.Gly228Arg). The glycine residue is highly conserved and there is a moderate physicochemical difference between glycine and arginine. This variant is not present in population databases (ExAC no frequency). This variant has not been reported in the literature in individuals with MEGF10-related disease.

NM_001256545.2(MEGF10):c.682G>C (p.Gly228Arg)

Gene: MEGF10 (multiple EGF like domains 10; plus strand). Cytogenetic location: 5q23.2.
Variant type: single nucleotide variant.
Coding change: c.682G>C on transcript NM_001256545.2 (MANE Select); coding-DNA position 682, G replaced by C.
Protein change: p.Gly228Arg; replaces glycine 228 with arginine.
Molecular consequence: missense variant.
Genome position (GRCh38, 1-based): chr5:127,398,698, G>C. VCF-style: chr5-127398698-G-C. GRCh37 (hg19) VCF-style: chr5-126734390-G-C.
Other names: c.682G>C, p.Gly228Arg (NM_001308119.2, NM_001308121.2, NM_032446.3); short protein forms G228R.
Identifiers: ClinVar variation 656400 (VCV000656400.9), dbSNP rs1005573486, ClinGen allele CA126931950.